The following is an entry in ClinVar:

ClinVar aggregate classification (germline): Uncertain significance (1 of 4 stars; one submission).

Conditions:
Hereditary pancreatitis (PCTT). Also called: Hereditary chronic pancreatitis; PRSS1-Related Hereditary Pancreatitis. Identifiers: Orphanet 676, MedGen C0238339, MONDO:0008185, OMIM 167800.

Allele frequency attached by ClinVar (database versions not stated): gnomAD exomes below 0.00001.
gnomAD v4.1: 5 of 1,613,852 alleles (0.00031%); highest among the groups gnomAD compares: Admixed American, 0.005%; no homozygotes.

Submission:

Ambry Genetics
Classification: Uncertain significance for Hereditary pancreatitis. Last evaluated: 2025-11-14. Review status: criteria provided, single submitter. Criteria: Ambry Variant Classification Scheme 2023. Collection method: clinical testing. Allele origin: germline.
Comment: The c.1077A>G variant (also known as p.Q359Q), located in coding exon 10 of the CPA1 gene, results from an A to G substitution at nucleotide position 1077. This nucleotide substitution does not change the amino acid at codon 359. This nucleotide position is well conserved in available vertebrate species. In silico splice site analysis for this alteration is inconclusive. Based on the available evidence, the clinical significance of this variant remains unclear.

NM_001868.4(CPA1):c.1077A>G (p.Gln359=)

Gene: CPA1 (carboxypeptidase A1; plus strand). Cytogenetic location: 7q32.2.
Variant type: single nucleotide variant.
Coding change: c.1077A>G on transcript NM_001868.4 (MANE Select); coding-DNA position 1077, A replaced by G.
Protein change: p.Gln359=; no amino-acid change (glutamine 359 retained).
Molecular consequence: synonymous variant.
Genome position (GRCh38, 1-based): chr7:130,387,828, A>G. VCF-style: chr7-130387828-A-G. GRCh37 (hg19) VCF-style: chr7-130027669-A-G.
Identifiers: ClinVar variation 1785085 (VCV001785085.3), dbSNP rs2536015184, ClinGen allele CA457651163.